The following is an entry in ClinVar:

ClinVar aggregate classification (germline): Pathogenic (1 of 4 stars; one submission).

Submission:

Labcorp Genetics (formerly Invitae), Labcorp
Classification: Pathogenic. Last evaluated: 2022-12-03. Review status: criteria provided, single submitter. Criteria: Invitae Variant Classification Sherloc (09022015). Collection method: clinical testing. Allele origin: germline.
Comment: For these reasons, this variant has been classified as Pathogenic. A similar copy number variant has been observed in individual(s) with erythropoietic protoporphyria (PMID: 17597821). This variant is a gross deletion of the genomic region encompassing exon(s) 3-4 of the FECH gene. This deletion is out-of-frame, and is expected to create a premature termination codon and result in an absent or disrupted protein product. Loss-of-function variants in FECH are known to be pathogenic (PMID: 20105171, 23016163, 23364466).

Literature cited by the submitters: PubMed 17597821; PubMed 20105171; PubMed 23016163; PubMed 23364466.

NC_000018.9:g.(?_55238604)_(55240617_?)del

Gene: FECH (ferrochelatase; minus strand). Cytogenetic location: 18q21.31.
Variant type: Deletion.
Identifiers: ClinVar variation 1409936 (VCV001409936.5).